The following is an entry in ClinVar:

ClinVar aggregate classification (germline): Uncertain significance (1 of 4 stars; one submission).

Conditions:
Microcephaly 18, primary, autosomal dominant (MCPH18). Identifiers: MedGen C4479608, MONDO:0054593, OMIM 617520.

Submission:

Institute of Human Genetics, University of Goettingen
Classification: Uncertain significance for Microcephaly 18, primary, autosomal dominant. Last evaluated: 2021-10-06. Review status: criteria provided, single submitter. Criteria: ACMG Guidelines, 2015. Collection method: clinical testing. Allele origin: unknown. Inheritance: Sporadic. Observed: 1 heterozygote.
Comment: The variant c.9449C>A (p.(Thr3150Asn)) in exon 62 of the WDFY3-gene is not found in the gnomAD database, it affects a highly conserved nucleotide, a highly conserved amino acid within a protein domain and there is a small physicochemical difference between Thr and Asn. This variant has a pathogenic computational verdict based on 8 pathogenic predictions from DANN, EIGEN, FATHMM-MKL, LIST-S2, M-CAP, MutationTaster, PrimateAI and SIFT vs 4 benign predictions from BayesDel_addAF, DEOGEN2, MVP and MutationAssessor. ACMG criteria used for classification: PM2, PP2, PP3.

NM_014991.6(WDFY3):c.9449C>A (p.Thr3150Asn)

Gene: WDFY3 (WD repeat and FYVE domain containing 3; minus strand). Cytogenetic location: 4q21.23.
Variant type: single nucleotide variant.
Coding change: c.9449C>A on transcript NM_014991.6 (MANE Select); coding-DNA position 9449, C replaced by A.
Protein change: p.Thr3150Asn; replaces threonine 3150 with asparagine.
Molecular consequence: missense variant.
Genome position (GRCh38, 1-based): chr4:84,688,180, G>T on the plus strand (C>A on the coding strand, the complement: WDFY3 is on the minus strand). VCF-style: chr4-84688180-G-T. GRCh37 (hg19) VCF-style: chr4-85609333-G-T.
Other names: short protein forms T3150N.
Identifiers: ClinVar variation 1299391 (VCV001299391.3), dbSNP rs2148828032, ClinGen allele CA357536508.
Genomic context (GRCh38, chr4:84,688,180, plus strand): 5'-GCTCGATGCCCTCGAAGCTGGGTTAGAAATGACAGTTTGTTCAAATCCCAAATGATACAG[G>T]TTCGATCACGGGACCCACTGACAATTATGTGATAGGCTAATGATGCTGTGGCGCAGGTGA-3'
Protein context (NP_055806.2, residues 3140-3160): HIIVSGSRDR[Thr3150Asn]CIIWDLNKLS